The following is an entry in ClinVar:

ClinVar aggregate classification (germline): Uncertain significance (1 of 4 stars; one submission).

Submission:

Labcorp Genetics (formerly Invitae), Labcorp
Classification: Uncertain significance. Last evaluated: 2024-11-22. Review status: criteria provided, single submitter. Criteria: Invitae Variant Classification Sherloc (09022015). Collection method: clinical testing. Allele origin: germline.
Comment: This sequence change replaces arginine, which is basic and polar, with cysteine, which is neutral and slightly polar, at codon 999 of the DNA2 protein (p.Arg999Cys). This variant is present in population databases (rs766267041, gnomAD 0.003%). This variant has not been reported in the literature in individuals affected with DNA2-related conditions. Invitae Evidence Modeling of protein sequence and biophysical properties (such as structural, functional, and spatial information, amino acid conservation, physicochemical variation, residue mobility, and thermodynamic stability) indicates that this missense variant is expected to disrupt DNA2 protein function with a positive predictive value of 80%. In summary, the available evidence is currently insufficient to determine the role of this variant in disease. Therefore, it has been classified as a Variant of Uncertain Significance.

NM_001080449.3(DNA2):c.2995C>T (p.Arg999Cys)

Gene: DNA2 (DNA replication helicase/nuclease 2; minus strand). Cytogenetic location: 10q21.3.
Variant type: single nucleotide variant.
Coding change: c.2995C>T on transcript NM_001080449.3 (MANE Select); coding-DNA position 2995, C replaced by T.
Protein change: p.Arg999Cys; replaces arginine 999 with cysteine.
Molecular consequence: missense variant. On other transcripts: non-coding transcript variant (1).
Genome position (GRCh38, 1-based): chr10:68,416,828, G>A on the plus strand (C>T on the coding strand, the complement: DNA2 is on the minus strand). VCF-style: chr10-68416828-G-A. GRCh37 (hg19) VCF-style: chr10-70176585-G-A.
Other names: short protein forms R999C.
Identifiers: ClinVar variation 3678641 (VCV003678641.2).